The following is an entry in ClinVar:

ClinVar aggregate classification (germline): Uncertain significance (1 of 4 stars; one submission).

Submission:

Labcorp Genetics (formerly Invitae), Labcorp
Classification: Uncertain significance. Last evaluated: 2022-09-20. Review status: criteria provided, single submitter. Criteria: Invitae Variant Classification Sherloc (09022015). Collection method: clinical testing. Allele origin: germline.
Comment: In summary, the available evidence is currently insufficient to determine the role of this variant in disease. Therefore, it has been classified as a Variant of Uncertain Significance. Advanced modeling of protein sequence and biophysical properties (such as structural, functional, and spatial information, amino acid conservation, physicochemical variation, residue mobility, and thermodynamic stability) performed at Invitae indicates that this missense variant is not expected to disrupt DDX58 protein function. This variant has not been reported in the literature in individuals affected with DDX58-related conditions. This variant is not present in population databases (gnomAD no frequency). This sequence change replaces lysine, which is basic and polar, with glutamic acid, which is acidic and polar, at codon 803 of the DDX58 protein (p.Lys803Glu).

NM_014314.4(RIGI):c.2407A>G (p.Lys803Glu)

Genes: RIGI (RNA sensor RIG-I; minus strand), LOC101060445 (uncharacterized LOC101060445; plus strand). Cytogenetic location: 9p21.1.
Variant type: single nucleotide variant.
Coding change: c.2407A>G on transcript NM_014314.4 (MANE Select); coding-DNA position 2407, A replaced by G.
Protein change: p.Lys803Glu; replaces lysine 803 with glutamic acid.
Molecular consequence: missense variant.
Genome position (GRCh38, 1-based): chr9:32,459,445, T>C on the plus strand (A>G on the coding strand, the complement: RIGI is on the minus strand). VCF-style: chr9-32459445-T-C. GRCh37 (hg19) VCF-style: chr9-32459443-T-C.
Other names: c.2401A>G, p.Lys801Glu (NM_001385907.1); c.2236A>G, p.Lys746Glu (NM_001385909.1); c.1966A>G, p.Lys656Glu (NM_001385910.1); c.1798A>G, p.Lys600Glu (NM_001385912.1); c.2392A>G, p.Lys798Glu (NM_001385913.1); c.1963A>G, p.Lys655Glu (NM_001385914.1); short protein forms K600E, K655E, K798E, K801E, K746E, K803E, K656E.
Identifiers: ClinVar variation 2031521 (VCV002031521.4), dbSNP rs2489281309, ClinGen allele CA373144282.